The following is an entry in ClinVar:

NM_199420.4(POLQ):c.1475G>A (p.Ser492Asn)

Gene: POLQ (DNA polymerase theta; minus strand). Cytogenetic location: 3q13.33.
Variant type: single nucleotide variant.
Coding change: c.1475G>A on transcript NM_199420.4 (MANE Select); coding-DNA position 1475, G replaced by A.
Protein change: p.Ser492Asn; replaces serine 492 with asparagine.
Molecular consequence: missense variant.
Genome position (GRCh38, 1-based): chr3:121,512,023, C>T on the plus strand (G>A on the coding strand, the complement: POLQ is on the minus strand). VCF-style: chr3-121512023-C-T. GRCh37 (hg19) VCF-style: chr3-121230870-C-T.
Other names: short protein forms S492N.
Identifiers: ClinVar variation 1773452 (VCV001773452.2), dbSNP rs2048259366, ClinGen allele CA354116408.

ClinVar aggregate classification (germline): Uncertain significance (1 of 4 stars; one submission).

Allele frequency attached by ClinVar (database versions not stated): gnomAD exomes below 0.00001; TOPMed below 0.00001; gnomAD 0.00001.
gnomAD v4.1: 7 of 1,612,006 alleles (0.00043%); highest among the groups gnomAD compares: African/African-American, 0.0013%; no homozygotes.

Submission:

Ambry Genetics
Classification: Uncertain significance. Last evaluated: 2024-01-06. Review status: criteria provided, single submitter. Criteria: Ambry Variant Classification Scheme 2023. Collection method: clinical testing. Allele origin: germline.
Comment: The p.S492N variant (also known as c.1475G>A), located in coding exon 10 of the POLQ gene, results from a G to A substitution at nucleotide position 1475. The serine at codon 492 is replaced by asparagine, an amino acid with highly similar properties. This amino acid position is conserved. In addition, the in silico prediction for this alteration is inconclusive. Since supporting evidence is limited at this time, the clinical significance of this alteration remains unclear.